The following is an entry in ClinVar:

NM_000275.3(OCA2):c.1631T>G (p.Ile544Ser)

Gene: OCA2 (OCA2 melanosomal transmembrane protein; minus strand). Cytogenetic location: 15q13.1.
Variant type: single nucleotide variant.
Coding change: c.1631T>G on transcript NM_000275.3 (MANE Select); coding-DNA position 1631, T replaced by G.
Protein change: p.Ile544Ser; replaces isoleucine 544 with serine.
Molecular consequence: missense variant.
Genome position (GRCh38, 1-based): chr15:27,966,695, A>C on the plus strand (T>G on the coding strand, the complement: OCA2 is on the minus strand). VCF-style: chr15-27966695-A-C. GRCh37 (hg19) VCF-style: chr15-28211841-A-C.
Other names: c.1559T>G, p.Ile520Ser (NM_001300984.2); short protein forms I520S, I544S.
Identifiers: ClinVar variation 1050079 (VCV001050079.1), dbSNP rs34141095, ClinGen allele CA391356953.

ClinVar aggregate classification (germline): Uncertain significance (0 of 4 stars; one submission).

gnomAD v4.1: 2 of 1,614,060 alleles (0.00012%); highest among the groups gnomAD compares: African/African-American, 0.0027%; no homozygotes.

Submission:

Department of Pathology and Laboratory Medicine, Sinai Health System
Classification: Uncertain significance. Review status: no assertion criteria provided. Collection method: clinical testing. Allele origin: unknown. Affected: yes. Study: The Canadian Open Genetics Repository (COGR).
Comment: The OCA2 p.Ile520Ser variant was not identified in the literature nor was it identified in dbSNP, ClinVar, Cosmic, LOVD 3.0 or in the following control databases: the 1000 Genomes Project, the NHLBI GO Exome Sequencing Project, the Exome Aggregation Consortium (August 8th 2016), or the Genome Aggregation Database (Feb 27, 2017).The p.Ile520 residue is conserved in mammals and computational analyses (PolyPhen-2, SIFT, AlignGVGD, BLOSUM, MutationTaster) provide inconsistent predictions regarding the impact to the protein; this information is not very predictive of pathogenicity. The variant occurs outside of the splicing consensus sequence and in silico or computational prediction software programs (SpliceSiteFinder, MaxEntScan, NNSPLICE, GeneSplicer) do not predict a difference in splicing. In summary, based on the above information the clinical significance of this variant cannot be determined with certainty at this time. This variant is classified as a variant of uncertain significance.